The following is an entry in ClinVar:

NM_006736.6(DNAJB2):c.187G>A (p.Glu63Lys)

Gene: DNAJB2 (DnaJ heat shock protein family (Hsp40) member B2; plus strand). Cytogenetic location: 2q35.
Variant type: single nucleotide variant.
Coding change: c.187G>A on transcript NM_006736.6 (MANE Select); coding-DNA position 187, G replaced by A.
Protein change: p.Glu63Lys; replaces glutamic acid 63 with lysine.
Molecular consequence: missense variant.
Genome position (GRCh38, 1-based): chr2:219,281,729, G>A. VCF-style: chr2-219281729-G-A. GRCh37 (hg19) VCF-style: chr2-220146451-G-A.
Other names: c.187G>A, p.Glu63Lys (NM_001039550.2); short protein forms E63K.
Identifiers: ClinVar variation 1389025 (VCV001389025.6), dbSNP rs1322194084, ClinGen allele CA350647666.
Genomic context (GRCh38, chr2:219,281,729, plus strand): 5'-GGGAGCCCATCCCAGAGGGAGGGTGAAATGATCTGGTCTCTTTTTGCAGAGCACAAGCGG[G>A]AGATTTACGACCGCTATGGCCGGGAAGGGCTGACAGGGACAGGTAGGTGGAGTGGTGAGG-3'
Protein context (NP_006727.2, residues 53-73): YEVLSDKHKR[Glu63Lys]IYDRYGREGL

ClinVar aggregate classification (germline): Uncertain significance (1 of 4 stars; one submission).

Conditions:
Neuronopathy, distal hereditary motor, autosomal recessive 5. Also called: Spinal muscular atrophy, distal, autosomal recessive, 5; NEUROPATHY, DISTAL HEREDITARY MOTOR, AUTOSOMAL RECESSIVE 5; Young adult-onset distal hereditary motor neuropathy. Identifiers: Orphanet 314485, Orphanet 443950, MedGen C4749918, MONDO:0013947, OMIM 614881.

Allele frequency attached by ClinVar (database versions not stated): gnomAD exomes below 0.00001 and 0.00001.
gnomAD v4.1: 11 of 1,614,090 alleles (0.00068%); highest among the groups gnomAD compares: Non-Finnish European, 0.00093%; no homozygotes.

Submission:

Labcorp Genetics (formerly Invitae), Labcorp
Classification: Uncertain significance for Neuronopathy, distal hereditary motor, autosomal recessive 5. Last evaluated: 2021-10-24. Review status: criteria provided, single submitter. Criteria: Invitae Variant Classification Sherloc (09022015). Collection method: clinical testing. Allele origin: germline.
Comment: In summary, the available evidence is currently insufficient to determine the role of this variant in disease. Therefore, it has been classified as a Variant of Uncertain Significance. Algorithms developed to predict the effect of missense changes on protein structure and function (SIFT, PolyPhen-2, Align-GVGD) all suggest that this variant is likely to be tolerated. This variant has not been reported in the literature in individuals affected with DNAJB2-related conditions. This variant is not present in population databases (ExAC no frequency). This sequence change replaces glutamic acid with lysine at codon 63 of the DNAJB2 protein (p.Glu63Lys). The glutamic acid residue is moderately conserved and there is a small physicochemical difference between glutamic acid and lysine.